The following is an entry in ClinVar:

ClinVar aggregate classification (germline): Likely benign (0 of 4 stars; one submission).

Conditions:
NLRP2-related disorder. Also called: NLRP2-related condition.

Allele frequency attached by ClinVar (database versions not stated): ExAC 0.00001; gnomAD 0.00001; gnomAD exomes 0.00001.
gnomAD v4.1: 19 of 1,613,976 alleles (0.0012%); highest among the groups gnomAD compares: Admixed American, 0.0033%; no homozygotes.

Submission:

PreventionGenetics, part of Exact Sciences
Classification: Likely benign for NLRP2-related condition. Last evaluated: 2021-05-21. Review status: no assertion criteria provided. Collection method: clinical testing. Allele origin: germline.
Comment: This variant is classified as likely benign based on ACMG/AMP sequence variant interpretation guidelines (Richards et al. 2015 PMID: 25741868, with internal and published modifications).

NM_017852.5(NLRP2):c.1089C>T (p.Asp363=)

Gene: NLRP2 (NLR family pyrin domain containing 2; plus strand). Cytogenetic location: 19q13.42.
Variant type: single nucleotide variant.
Coding change: c.1089C>T on transcript NM_017852.5 (MANE Select); coding-DNA position 1089, C replaced by T.
Protein change: p.Asp363=; no amino-acid change (aspartic acid 363 retained).
Molecular consequence: synonymous variant. On other transcripts: non-coding transcript variant (1).
Genome position (GRCh38, 1-based): chr19:54,982,787, C>T. VCF-style: chr19-54982787-C-T. GRCh37 (hg19) VCF-style: chr19-55494155-C-T.
Other names: c.1089C>T, p.Asp363= (NM_001174081.3); c.1023C>T, p.Asp341= (NM_001174082.3); c.1020C>T, p.Asp340= (NM_001174083.2); c.1080C>T, p.Asp360= (NM_001348003.2).
Identifiers: ClinVar variation 3029334 (VCV003029334.2), dbSNP rs749242948, ClinGen allele CA310103750.